The following is an entry in ClinVar:

NM_000834.5(GRIN2B):c.1704C>T (p.Ile568=)

Gene: GRIN2B (glutamate ionotropic receptor NMDA type subunit 2B; minus strand). Cytogenetic location: 12p13.1.
Variant type: single nucleotide variant.
Coding change: c.1704C>T on transcript NM_000834.5 (MANE Select); coding-DNA position 1704, C replaced by T.
Protein change: p.Ile568=; no amino-acid change (isoleucine 568 retained).
Molecular consequence: synonymous variant.
Genome position (GRCh38, 1-based): chr12:13,611,801, G>A on the plus strand (C>T on the coding strand, the complement: GRIN2B is on the minus strand). VCF-style: chr12-13611801-G-A. GRCh37 (hg19) VCF-style: chr12-13764735-G-A.
Identifiers: ClinVar variation 377945 (VCV000377945.13), dbSNP rs202102041, ClinGen allele CA6461190.

ClinVar aggregate classification (germline): Benign/Likely benign. Review status: criteria provided, multiple submitters, no conflicts (2 of 4 stars). 3 submissions from 3 submitters: Benign (1); Likely benign (2). Last evaluated 2025-10-23.

Conditions:
Inborn genetic diseases. Identifiers: MedGen C0950123, MeSH D030342.
Intellectual developmental disorder, autosomal dominant 6, with or without seizures. Also called: Intellectual disability, autosomal dominant 6; GRIN2B-related developmental delay, intellectual disability and autism spectrum disorder. Identifiers: Orphanet 589547, MedGen C3151411, MONDO:0013509, OMIM 613970.
Developmental and epileptic encephalopathy, 27 (DEE27). Also called: GRIN2B-Related Neurodevelopmental Disorder; Epileptic encephalopathy, early infantile, 27. Identifiers: Orphanet 3451, MedGen C4015316, MONDO:0014505, OMIM 616139.

Allele frequency attached by ClinVar (database versions not stated): ExAC 0.00003; ESP Exome Variant Server 0.00008; gnomAD 0.00013 and 0.00016; TOPMed 0.00014.
gnomAD v4.1: 46 of 1,613,010 alleles (0.0029%); highest among the groups gnomAD compares: African/African-American, 0.028%; no homozygotes.

Submissions (3):

Labcorp Genetics (formerly Invitae), Labcorp
Classification: Likely benign for Developmental and epileptic encephalopathy, 27; Intellectual developmental disorder, autosomal dominant 6, with or without seizures. Last evaluated: 2025-10-23. Review status: criteria provided, single submitter. Criteria: Invitae Variant Classification Sherloc (09022015). Collection method: clinical testing. Allele origin: germline.

Ambry Genetics
Classification: Benign for Inborn genetic diseases. Last evaluated: 2019-11-15. Review status: criteria provided, single submitter. Criteria: Ambry Variant Classification Scheme 2023. Collection method: clinical testing. Allele origin: germline.

GeneDx
Classification: Likely benign. Last evaluated: 2016-08-30. Review status: criteria provided, single submitter. Criteria: GeneDx Variant Classification (06012015). Collection method: clinical testing. Allele origin: germline. Affected: yes.
Comment: This variant is considered likely benign or benign based on one or more of the following criteria: it is a conservative change, it occurs at a poorly conserved position in the protein, it is predicted to be benign by multiple in silico algorithms, and/or has population frequency not consistent with disease.